The following is an entry in ClinVar:

NC_000017.11:g.(?_10509485)_(10537835_?)del

Genes: MYH2 (myosin heavy chain 2; minus strand), MYHAS (myosin heavy chain gene cluster antisense RNA; plus strand), MYH1 (myosin heavy chain 1; minus strand), LOC126862500 (BRD4-independent group 4 enhancer GRCh37_chr17:10427829-10429028; plus strand). Cytogenetic location: 17p13.1.
Variant type: Deletion.
Identifiers: ClinVar variation 583672 (VCV000583672.1).

ClinVar aggregate classification (germline): Uncertain significance (1 of 4 stars; one submission).

Conditions:
Myopathy, proximal, and ophthalmoplegia (CMYO6). Also called: CONGENITAL MYOPATHY 6 WITH OPHTHALMOPLEGIA; INCLUSION BODY MYOPATHY 3, AUTOSOMAL DOMINANT; MYOPATHY WITH CONGENITAL JOINT CONTRACTURES, OPHTHALMOPLEGIA, AND RIMMED VACUOLES. Identifiers: Orphanet 363677, Orphanet 79091, MedGen C1854106, MONDO:0011577, OMIM 605637.

Submission:

Labcorp Genetics (formerly Invitae), Labcorp
Classification: Uncertain significance for Inclusion body myopathy 3. Last evaluated: 2018-05-15. Review status: criteria provided, single submitter. Criteria: Invitae Variant Classification Sherloc (09022015). Collection method: clinical testing. Allele origin: germline.
Comment: This variant is a gross deletion of the genomic region encompassing exons 15-40 of the MYH2 gene. The 5' boundary is likely confined to intron 14. The 3' end of this event is unknown as it extends through the termination codon beyond the assayed region for this gene and may encompass additional genes. While this deletion is not anticipated to result in nonsense mediated decay, it is expected to create a truncated protein product or disrupt mRNA translation. This variant has not been reported in the literature in individuals with MYH2-related disease. In summary, the available evidence is currently insufficient to determine the role of this variant in disease. Therefore, it has been classified as a Variant of Uncertain Significance.